The following is an entry in ClinVar:

ClinVar aggregate classification (germline): Uncertain significance. Review status: criteria provided, multiple submitters, no conflicts (2 of 4 stars). 2 submissions from 2 submitters: Uncertain significance (2). Last evaluated 2025-09-08.

Conditions:
Cardiovascular phenotype. Identifiers: MedGen CN230736.

Allele frequency attached by ClinVar (database versions not stated): gnomAD exomes below 0.00001; ExAC 0.00001.
gnomAD v4.1: 1 of 1,614,024 alleles (0.000062%); highest among the groups gnomAD compares: Non-Finnish European, 0.000085%; no homozygotes.

Submissions (2):

Women's Health and Genetics/Laboratory Corporation of America, LabCorp
Classification: Uncertain significance. Last evaluated: 2025-09-08. Review status: criteria provided, single submitter. Criteria: LabCorp Variant Classification Summary - May 2015. Collection method: clinical testing. Allele origin: germline.

Ambry Genetics
Classification: Uncertain significance for Cardiovascular phenotype. Last evaluated: 2023-03-31. Review status: criteria provided, single submitter. Criteria: Ambry Variant Classification Scheme 2023. Collection method: clinical testing. Allele origin: germline.
Comment: The p.R195P variant (also known as c.584G>C), located in coding exon 6 of the ANKRD1 gene, results from a G to C substitution at nucleotide position 584. The arginine at codon 195 is replaced by proline, an amino acid with dissimilar properties. This amino acid position is conserved. In addition, this alteration is predicted to be deleterious by in silico analysis. Since supporting evidence is limited at this time, the clinical significance of this alteration remains unclear.

NM_014391.3(ANKRD1):c.584G>C (p.Arg195Pro)

Gene: ANKRD1 (ankyrin repeat domain 1; minus strand). Cytogenetic location: 10q23.31.
Variant type: single nucleotide variant.
Coding change: c.584G>C on transcript NM_014391.3 (MANE Select); coding-DNA position 584, G replaced by C.
Protein change: p.Arg195Pro; replaces arginine 195 with proline.
Molecular consequence: missense variant.
Genome position (GRCh38, 1-based): chr10:90,916,238, C>G on the plus strand (G>C on the coding strand, the complement: ANKRD1 is on the minus strand). VCF-style: chr10-90916238-C-G. GRCh37 (hg19) VCF-style: chr10-92675995-C-G.
Other names: short protein forms R195P.
Identifiers: ClinVar variation 2564306 (VCV002564306.3), dbSNP rs748104942, ClinGen allele CA5598683.